The following is an entry in ClinVar:

ClinVar aggregate classification (germline): Likely benign (1 of 4 stars; one submission).

Conditions:
PKD1-related disorder. Also called: PKD1-related condition.

gnomAD v4.1: 22 of 1,611,986 alleles (0.0014%); highest among the groups gnomAD compares: African/African-American, 0.024%; no homozygotes.

Submission:

PreventionGenetics, part of Exact Sciences
Classification: Likely benign for PKD1-related condition. Last evaluated: 2025-12-18. Review status: criteria provided, single submitter. Criteria: ACMG Guidelines, 2015. Collection method: clinical testing. Allele origin: germline.
Comment: This variant is classified as likely benign based on ACMG/AMP sequence variant interpretation guidelines (Richards et al. 2015 PMID: 25741868, with internal and published modifications).

NM_001009944.3(PKD1):c.12136C>T (p.Leu4046=)

Gene: PKD1 (polycystin 1, transient receptor potential channel interacting; minus strand). Cytogenetic location: 16p13.3.
Variant type: single nucleotide variant.
Coding change: c.12136C>T on transcript NM_001009944.3 (MANE Select); coding-DNA position 12136, C replaced by T.
Protein change: p.Leu4046=; no amino-acid change (leucine 4046 retained).
Molecular consequence: synonymous variant.
Genome position (GRCh38, 1-based): chr16:2,090,676, G>A on the plus strand (C>T on the coding strand, the complement: PKD1 is on the minus strand). VCF-style: chr16-2090676-G-A. GRCh37 (hg19) VCF-style: chr16-2140677-G-A.
Other names: c.12133C>T, p.Leu4045= (NM_000296.4).
Identifiers: ClinVar variation 4977632 (VCV004977632.1).
Genomic context (GRCh38, chr16:2,090,676, plus strand): 5'-GGCGTACAGCTGAGCTGAGCTGAGCTAAGACGCCCTCCCCGGCCGCGCAGTCACCTACCA[G>A]GATGGCCAGCTGGGCGTAGGCTACCCCGAGCACCACCAGGCCCAAGGTGACCCCCAGGAG-3'
Protein context (NP_001009944.3, residues 4036-4056): LGVAYAQLAI[Leu4046=]LVSSCVDSLW